The following is an entry in ClinVar:

ClinVar aggregate classification (germline): Pathogenic. Review status: reviewed by expert panel (3 of 4 stars). 6 submissions from 6 submitters: Pathogenic (1). 5 of the submissions do not count toward it. Last evaluated 2016-09-08.

Conditions:
Hereditary cancer-predisposing syndrome. Also called: Hereditary Cancer Syndrome; Hereditary neoplastic syndrome; Neoplastic Syndromes, Hereditary; Tumor predisposition. Identifiers: Orphanet 140162, MedGen C0027672, MeSH D009386, MONDO:0015356.
Breast-ovarian cancer, familial, susceptibility to, 1 (BROVCA1). Also called: BRCA1 Hereditary Breast and Ovarian Cancer; OVARIAN CANCER, SUSCEPTIBILITY TO. Identifiers: Orphanet 145, MedGen C2676676, MONDO:0011450, OMIM 604370. Disease mechanism: loss of function.
Malignant tumor of breast. Also called: Cancer breast; Malignant breast neoplasm. Identifiers: MedGen C0006142, MONDO:0007254. Disease mechanism: loss of function.
Hereditary breast ovarian cancer syndrome. Also called: BRCA1- and BRCA2-Associated Hereditary Breast and Ovarian Cancer; Hereditary breast and ovarian cancer syndrome; Hereditary breast and ovarian cancer syndrome (HBOC); Breast and ovarian cancer; Hereditary breast and/or ovarian cancer syndrome; Hereditary breast and ovarian cancer. Identifiers: Orphanet 145, MedGen C0677776, MeSH D061325, MONDO:0003582. Disease mechanism: loss of function.

Submissions (6):

Evidence-based Network for the Interpretation of Germline Mutant Alleles (ENIGMA)
Classification: Pathogenic for Breast-ovarian cancer, familial, susceptibility to, 1. Last evaluated: 2016-09-08. Review status: reviewed by expert panel. Criteria: ENIGMA BRCA1/2 Classification Criteria (2015). Collection method: curation. Allele origin: germline.
Comment: Variant allele predicted to encode a truncated non-functional protein.

Labcorp Genetics (formerly Invitae), Labcorp
Classification: Pathogenic for Hereditary breast ovarian cancer syndrome. Last evaluated: 2024-10-16. Review status: criteria provided, single submitter. Criteria: Invitae Variant Classification Sherloc (09022015). Collection method: clinical testing. Allele origin: germline. Not counted in ClinVar's aggregate classification.
Comment: This sequence change creates a premature translational stop signal (p.Lys443Valfs*11) in the BRCA1 gene. It is expected to result in an absent or disrupted protein product. Loss-of-function variants in BRCA1 are known to be pathogenic (PMID: 20104584). This variant is not present in population databases (gnomAD no frequency). This variant has not been reported in the literature in individuals affected with BRCA1-related conditions. ClinVar contains an entry for this variant (Variation ID: 91544). For these reasons, this variant has been classified as Pathogenic.

Ambry Genetics
Classification: Pathogenic for Hereditary cancer-predisposing syndrome. Last evaluated: 2021-05-27. Review status: criteria provided, single submitter. Criteria: Ambry Variant Classification Scheme 2023. Collection method: clinical testing. Allele origin: germline. Not counted in ClinVar's aggregate classification.
Comment: The c.1325_1326dupGT pathogenic mutation, located in coding exon 9 of the BRCA1 gene, results from a duplication of GT at nucleotide position 1325, causing a translational frameshift with a predicted alternate stop codon (p.K443Vfs*11). This alteration is expected to result in loss of function by premature protein truncation or nonsense-mediated mRNA decay. As such, this alteration is interpreted as a disease-causing mutation.

Sharing Clinical Reports Project (SCRP)
Classification: Pathogenic for Breast-ovarian cancer, familial 1. Last evaluated: 2008-02-07. Review status: no assertion criteria provided. Collection method: clinical testing. Allele origin: germline. Not counted in ClinVar's aggregate classification.

Breast Cancer Information Core (BIC) (BRCA1)
Classification: Pathogenic for Breast-ovarian cancer, familial 1. Last evaluated: 2004-02-20. Review status: no assertion criteria provided. Collection method: clinical testing. Allele origin: germline. Affected: yes. Observed: 1 variant allele. Not counted in ClinVar's aggregate classification.

Department of Pathology and Laboratory Medicine, Sinai Health System
Classification: Pathogenic for Malignant tumor of breast. Review status: no assertion criteria provided. Collection method: clinical testing. Allele origin: unknown. Affected: yes. Study: The Canadian Open Genetics Repository (COGR). Not counted in ClinVar's aggregate classification.
Comment: The BRCA1, p.Lys443ValfsX11variant was identified in dbSNP (ID: rs80357543) â€šÃ„ÃºWith Pathogenic alleleâ€šÃ„Ã¹, the ClinVar database (classified as a pathogenic variant by the Sharing Clinical Reports Project (derived from Myriad reports) and BIC) and the BIC database (1X with clinical importance). The p.Lys443ValfsX11 duplication variant is predicted to cause a frameshift, which alters the protein's amino acid sequence beginning at codon 443 and leads to a premature stop codon 11 codons downstream. This alteration is then predicted to result in a truncated or absent protein and loss of function. Loss of function variants of the BRCA1 gene are an established mechanism of disease in hereditary breast and ovarian cancer and is the type of variant expected to cause the disorder. In summary, based on the above information, this variant meets our laboratoryâ€šÃ„Ã´s criteria to be classified as pathogenic.

Literature cited by the submitters: PubMed 20104584 (cited by Labcorp Genetics (formerly Invitae), Labcorp).

NM_007294.4(BRCA1):c.1325_1326dup (p.Lys443fs)

Gene: BRCA1 (BRCA1 DNA repair associated; minus strand). Cytogenetic location: 17q21.31.
Variant type: Duplication.
Coding change: c.1325_1326dup on transcript NM_007294.4 (MANE Select); coding-DNA positions 1325 to 1326, 2 bases duplicated (GT; older notation c.1325_1326dupGT).
Protein change: p.Lys443fs; shifts the reading frame from lysine 443.
Molecular consequence: frameshift variant. On other transcripts: intron variant (137).
Genome position (GRCh38, 1-based): chr17:43,094,205-43,094,206, AC duplicated on the plus strand (GT on the coding strand, the reverse complement: BRCA1 is on the minus strand); duplicating any 2 consecutive bases within chr17:43,094,205-43,094,207 gives the same sequence; the c. name uses the placement nearest the transcript's 3' end. VCF-style (leftmost placement, unchanged base first): chr17-43094204-T-TAC. GRCh37 (hg19) VCF-style: chr17-41246221-T-TAC.
Other names: 1445insGT; c.992_993dup, p.Lys332fs (NM_001407949.1, NM_001407950.1, NM_001407951.1 and 6 more transcripts); c.989_990dup, p.Lys331fs (NM_001407954.1, NM_001407955.1, NM_001407956.1 and 1 more transcripts); c.1112_1113dup, p.Lys372fs (NM_001407571.1, NM_001407853.1, NM_001407894.1 and 9 more transcripts); c.1325_1326dup, p.Lys443fs (NM_001407581.1, NM_001407582.1, NM_001407583.1 and 30 more transcripts); c.1322_1323dup, p.Lys442fs (NM_001407587.1, NM_001407590.1, NM_001407591.1 and 22 more transcripts); c.1316_1317dup, p.Lys440fs (NM_001407646.1, NM_001407647.1); c.1202_1203dup, p.Lys402fs (NM_001407648.1, NM_001407664.1, NM_001407665.1 and 19 more transcripts); and 42 more; short protein forms K396fs, K443fs, K315fs, K332fs, K416fs, K417fs, K331fs, K372fs.
Identifiers: ClinVar variation 91544 (VCV000091544.8), dbSNP rs80357543, ClinGen allele CA000864.
Genomic context (GRCh38, chr17:43,094,204, plus strand): 5'-TCCCAAATATTTTGTCTTCAATATTACTCTCTACTGATTTGGAGTGAACTCTTTCACTTT[T>TAC]ACATATTAAAGCCTCATGAGGATCACTGGCCAGTAAGTCTATTTTCTCTGAAGAACCAGA-3'